The following is an entry in ClinVar:

NM_005529.7(HSPG2):c.12579del (p.Ser4193fs)

Gene: HSPG2 (heparan sulfate proteoglycan 2; minus strand). Cytogenetic location: 1p36.12.
Variant type: Deletion.
Coding change: c.12579del on transcript NM_005529.7 (MANE Select); coding-DNA position 12579, one base deleted (C; older notation c.12579delC).
Protein change: p.Ser4193fs; shifts the reading frame from serine 4193.
Molecular consequence: frameshift variant.
Genome position (GRCh38, 1-based): chr1:21,827,873, G deleted on the plus strand (C on the coding strand, the reverse complement: HSPG2 is on the minus strand). VCF-style (leftmost placement, unchanged base first): chr1-21827872-CG-C. GRCh37 (hg19) VCF-style: chr1-22154365-CG-C.
Other names: c.12582del, p.Ser4194fs (NM_001291860.2); short protein forms S4193fs, S4194fs.
Identifiers: ClinVar variation 2976909 (VCV002976909.3), dbSNP rs1236588751, ClinGen allele CA731588842.

ClinVar aggregate classification (germline): Pathogenic (1 of 4 stars; one submission).

Allele frequency attached by ClinVar (database versions not stated): gnomAD 0.00001; TOPMed 0.00001.

Submission:

Labcorp Genetics (formerly Invitae), Labcorp
Classification: Pathogenic. Last evaluated: 2025-01-23. Review status: criteria provided, single submitter. Criteria: Invitae Variant Classification Sherloc (09022015). Collection method: clinical testing. Allele origin: germline.
Comment: This sequence change creates a premature translational stop signal (p.Ser4193Argfs*104) in the HSPG2 gene. It is expected to result in an absent or disrupted protein product. Loss-of-function variants in HSPG2 are known to be pathogenic (PMID: 11279527, 16927315, 20542149, 23836246). This variant is not present in population databases (gnomAD no frequency). This variant has not been reported in the literature in individuals affected with HSPG2-related conditions. ClinVar contains an entry for this variant (Variation ID: 2976909). Algorithms developed to predict the effect of sequence changes on RNA splicing suggest that this variant may disrupt the consensus splice site. For these reasons, this variant has been classified as Pathogenic.

Literature cited by the submitters: PubMed 11279527; PubMed 16927315; PubMed 20542149; PubMed 23836246.